The following is an entry in ClinVar:

ClinVar aggregate classification (germline): Uncertain significance. Review status: criteria provided, multiple submitters, no conflicts (2 of 4 stars). 2 submissions from 2 submitters: Uncertain significance (2). Last evaluated 2026-05-26.

Conditions:
Left ventricular noncompaction 1 (LVNC1). Also called: LEFT VENTRICULAR NONCOMPACTION 1 WITH OR WITHOUT CONGENITAL HEART DEFECTS. Identifiers: Orphanet 54260, MedGen C1858725, MONDO:0011403, OMIM 604169.

Allele frequency attached by ClinVar (database versions not stated): gnomAD exomes 0.00002; TOPMed 0.00003; gnomAD 0.00005; ExAC 0.00002.
gnomAD v4.1: 19 of 1,614,056 alleles (0.0012%); highest among the groups gnomAD compares: African/African-American, 0.017%; no homozygotes.

Submissions (2):

Women's Health and Genetics/Laboratory Corporation of America, LabCorp
Classification: Uncertain significance. Last evaluated: 2026-05-26. Review status: criteria provided, single submitter. Criteria: LabCorp Variant Classification Summary - May 2015. Collection method: clinical testing. Allele origin: germline.
Comment: Variant summary: DTNA c.1732C>T (p.Arg578Trp) results in a non-conservative amino acid change in the encoded protein sequence. Algorithms developed to predict the effect of missense changes on protein structure and function are either unavailable or do not agree on the potential impact of this missense change. The variant allele was found at a frequency of 1.6e-05 in 251320 control chromosomes. The available data on variant occurrences in the general population are insufficient to allow any conclusion about variant significance. To our knowledge, no occurrence of c.1732C>T in individuals affected with DTNA-related conditions and no experimental evidence demonstrating its impact on protein function have been reported. ClinVar contains an entry for this variant (Variation ID: 496141). Based on the evidence outlined above, the variant was classified as uncertain significance.

Labcorp Genetics (formerly Invitae), Labcorp
Classification: Uncertain significance for Left ventricular noncompaction 1. Last evaluated: 2025-05-12. Review status: criteria provided, single submitter. Criteria: Invitae Variant Classification Sherloc (09022015). Collection method: clinical testing. Allele origin: germline.
Comment: This sequence change replaces arginine, which is basic and polar, with tryptophan, which is neutral and slightly polar, at codon 578 of the DTNA protein (p.Arg578Trp). This variant is present in population databases (rs749405895, gnomAD 0.02%). This variant has not been reported in the literature in individuals affected with DTNA-related conditions. ClinVar contains an entry for this variant (Variation ID: 496141). An algorithm developed to predict the effect of missense changes on protein structure and function (PolyPhen-2) suggests that this variant is likely to be disruptive. In summary, the available evidence is currently insufficient to determine the role of this variant in disease. Therefore, it has been classified as a Variant of Uncertain Significance.

NM_001386795.1(DTNA):c.1813C>T (p.Arg605Trp)

Gene: DTNA (dystrobrevin alpha; plus strand). Cytogenetic location: 18q12.1.
Variant type: single nucleotide variant.
Coding change: c.1813C>T on transcript NM_001386795.1 (MANE Select); coding-DNA position 1813, C replaced by T.
Protein change: p.Arg605Trp; replaces arginine 605 with tryptophan.
Molecular consequence: missense variant.
Genome position (GRCh38, 1-based): chr18:34,875,308, C>T. VCF-style: chr18-34875308-C-T. GRCh37 (hg19) VCF-style: chr18-32455272-C-T.
Other names: c.1552C>T, p.Arg518Trp (NM_001198938.2, NM_001198940.2, NM_001386753.1 and 5 more transcripts); c.1573C>T, p.Arg525Trp (NM_001198939.2); c.859C>T, p.Arg287Trp (NM_001198942.1); c.802C>T, p.Arg268Trp (NM_001198943.1); c.688C>T, p.Arg230Trp (NM_001198944.1); c.1642C>T, p.Arg548Trp (NM_001386754.1, NM_001386755.1, NM_001386756.1 and 3 more transcripts); c.1639C>T, p.Arg547Trp (NM_001386760.1); c.1561C>T, p.Arg521Trp (NM_001386761.1, NM_032975.4); and 5 more; short protein forms R521W, R578W, R287W, R518W, R525W, R226W, R230W, R268W.
Identifiers: ClinVar variation 496141 (VCV000496141.6), dbSNP rs749405895, ClinGen allele CA8935853.